The following is an entry in ClinVar:

NM_006059.4(LAMC3):c.4472G>A (p.Arg1491Lys)

Gene: LAMC3 (laminin subunit gamma 3; plus strand). Cytogenetic location: 9q34.12.
Variant type: single nucleotide variant.
Coding change: c.4472G>A on transcript NM_006059.4 (MANE Select); coding-DNA position 4472, G replaced by A.
Protein change: p.Arg1491Lys; replaces arginine 1491 with lysine.
Molecular consequence: missense variant.
Genome position (GRCh38, 1-based): chr9:131,087,812, G>A. VCF-style: chr9-131087812-G-A. GRCh37 (hg19) VCF-style: chr9-133963199-G-A.
Other names: short protein forms R1491K.
Identifiers: ClinVar variation 1378212 (VCV001378212.4), dbSNP rs2133353124, ClinGen allele CA375266372.

ClinVar aggregate classification (germline): Uncertain significance (1 of 4 stars; one submission).

Allele frequency attached by ClinVar (database versions not stated): gnomAD exomes below 0.00001.

Submission:

Labcorp Genetics (formerly Invitae), Labcorp
Classification: Uncertain significance. Last evaluated: 2023-08-30. Review status: criteria provided, single submitter. Criteria: Invitae Variant Classification Sherloc (09022015). Collection method: clinical testing. Allele origin: germline.
Comment: This sequence change replaces arginine, which is basic and polar, with lysine, which is basic and polar, at codon 1491 of the LAMC3 protein (p.Arg1491Lys). In summary, the available evidence is currently insufficient to determine the role of this variant in disease. Therefore, it has been classified as a Variant of Uncertain Significance. Algorithms developed to predict the effect of missense changes on protein structure and function output the following: SIFT: "Not Available"; PolyPhen-2: "Benign"; Align-GVGD: "Not Available". The lysine amino acid residue is found in multiple mammalian species, which suggests that this missense change does not adversely affect protein function. ClinVar contains an entry for this variant (Variation ID: 1378212). This variant has not been reported in the literature in individuals affected with LAMC3-related conditions. This variant is not present in population databases (gnomAD no frequency).